The following is an entry in ClinVar:

ClinVar aggregate classification (germline): Uncertain significance (1 of 4 stars; one submission).

Submission:

Dasa
Classification: Uncertain significance. Last evaluated: 2025-09-26. Review status: criteria provided, single submitter. Criteria: DASA Assertion Criteria. Collection method: clinical testing. Allele origin: germline.
Comment: NM_001281740.3(FHOD3):c.2201C>G (p.Ser734Cys) is a missense variant that results in the substitution of serine with cysteine. This variant is absent from population databases. Computational prediction algorithms are consistent with a benign effect. The currently available literature and clinical evidence are not sufficient to establish a definitive association between this variant and the reported condition. Therefore, this variant is classified as a variant of uncertain significance.

NM_001281740.3(FHOD3):c.2201C>G (p.Ser734Cys)

Gene: FHOD3 (formin homology 2 domain containing 3; plus strand). Cytogenetic location: 18q12.2.
Variant type: single nucleotide variant.
Coding change: c.2201C>G on transcript NM_001281740.3 (MANE Select); coding-DNA position 2201, C replaced by G.
Protein change: p.Ser734Cys; replaces serine 734 with cysteine.
Molecular consequence: missense variant.
Genome position (GRCh38, 1-based): chr18:36,693,388, C>G. VCF-style: chr18-36693388-C-G. GRCh37 (hg19) VCF-style: chr18-34273351-C-G.
Other names: c.1676C>G, p.Ser559Cys (NM_025135.5); c.1625C>G, p.Ser542Cys (NM_001281739.3); short protein forms S542C, S559C, S734C.
Identifiers: ClinVar variation 4886050 (VCV004886050.2).